The following is an entry in ClinVar:

NM_005359.6(SMAD4):c.831A>G (p.Thr277=)

Gene: SMAD4 (SMAD family member 4; plus strand). Cytogenetic location: 18q21.2.
Variant type: single nucleotide variant.
Coding change: c.831A>G on transcript NM_005359.6 (MANE Select); coding-DNA position 831, A replaced by G.
Protein change: p.Thr277=; no amino-acid change (threonine 277 retained).
Molecular consequence: synonymous variant. On other transcripts: non-coding transcript variant (2).
Genome position (GRCh38, 1-based): chr18:51,058,383, A>G. VCF-style: chr18-51058383-A-G. GRCh37 (hg19) VCF-style: chr18-48584753-A-G.
Other names: c.831A>G, p.Thr277= (NM_001407041.1, NM_001407042.1, NM_001407043.1).
Identifiers: ClinVar variation 3238428 (VCV003238428.4), dbSNP rs2144428797.

ClinVar aggregate classification (germline): Benign/Likely benign. Review status: criteria provided, multiple submitters, no conflicts (2 of 4 stars). 3 submissions from 3 submitters: Benign (1); Likely benign (2). Last evaluated 2025-07-06.

Conditions:
Juvenile polyposis syndrome (JPS). Identifiers: Orphanet 2929, MedGen C0345893, MONDO:0017380, OMIM 174900.
Familial thoracic aortic aneurysm and aortic dissection (TAAD). Also called: Thoracic aortic aneurysms and dissections. Identifiers: Orphanet 91387, MedGen C4707243, MONDO:0019625.
Hereditary cancer-predisposing syndrome. Also called: Neoplastic Syndromes, Hereditary; Tumor predisposition; Hereditary neoplastic syndrome; Hereditary Cancer Syndrome. Identifiers: Orphanet 140162, MedGen C0027672, MeSH D009386, MONDO:0015356.
Juvenile polyposis/hereditary hemorrhagic telangiectasia syndrome (JPHT). Also called: JP/HHT SYNDROME; JUVENILE POLYPOSIS WITH HEREDITARY HEMORRHAGIC TELANGIECTASIA; POLYPOSIS, GENERALIZED JUVENILE, WITH PULMONARY ARTERIOVENOUS MALFORMATION; TELANGIECTASIA, HEREDITARY HEMORRHAGIC, WITH JUVENILE POLYPOSIS COLI; Juvenile Polyposis Syndrome / Hereditary Hemorrhagic Telangiectasia (JPS/HHT). Identifiers: Orphanet 2929, MedGen C1832942, MONDO:0008278, OMIM 175050.

Submissions (3):

Labcorp Genetics (formerly Invitae), Labcorp
Classification: Likely benign for Juvenile polyposis syndrome. Last evaluated: 2025-07-06. Review status: criteria provided, single submitter. Criteria: Invitae Variant Classification Sherloc (09022015). Collection method: clinical testing. Allele origin: germline.

Myriad Genetics, Inc.
Classification: Benign for Juvenile polyposis/hereditary hemorrhagic telangiectasia syndrome. Last evaluated: 2025-03-20. Review status: criteria provided, single submitter. Criteria: Myriad Autosomal Dominant, Autosomal Recessive and X-Linked Classification Criteria (2023). Collection method: clinical testing. Allele origin: unknown.
Comment: This variant is considered benign. This variant is a silent/synonymous amino acid change and it is not expected to impact splicing.

Ambry Genetics
Classification: Likely benign for Hereditary cancer-predisposing syndrome; Familial thoracic aortic aneurysm and aortic dissection. Last evaluated: 2023-08-26. Review status: criteria provided, single submitter. Criteria: Ambry Variant Classification Scheme 2023. Collection method: clinical testing. Allele origin: germline.